The following is an entry in ClinVar:

ClinVar aggregate classification (germline): Likely pathogenic. Review status: criteria provided, multiple submitters, no conflicts (2 of 4 stars). 2 submissions from 2 submitters: Likely pathogenic (2). Last evaluated 2023-08-31.

Conditions:
Ectodermal dysplasia 10B, hypohidrotic/hair/tooth type, autosomal recessive. Also called: Ectodermal dysplasia 10B, hypohidrotic/hair/tooth type, autosomal; Ectodermal Dysplasia, Hypohidrotic, Autosomal Recessive. Identifiers: Orphanet 238468, Orphanet 248, MedGen C3887494, MONDO:0009147, OMIM 224900.

Submissions (2):

Intergen Genetics and Rare Diseases Diagnosis Center
Classification: Likely pathogenic for Ectodermal dysplasia 10B, hypohidrotic/hair/tooth type, autosomal recessive. Last evaluated: 2023-08-31. Review status: criteria provided, single submitter. Criteria: ACMG Guidelines, 2015. Collection method: clinical testing. Allele origin: germline. Inheritance: Autosomal recessive inheritance. Observed: 1 heterozygote.

Institute of Human Genetics, University of Goettingen
Classification: Likely pathogenic for Ectodermal dysplasia 10B, hypohidrotic/hair/tooth type, autosomal recessive. Last evaluated: 2021-03-03. Review status: criteria provided, single submitter. Criteria: ACMG Guidelines, 2015. Collection method: clinical testing. Allele origin: germline. Inheritance: Autosomal recessive inheritance. Affected: yes. Observed: 1 variant allele, 1 homozygote.
Comment: The mutationCys148Arg was already described by Cahssaing et al. 2006 and is absent from large population studies. Using ACMG criteria PM2, PP2, PP3 and PP5 we classified this variant as likely pathogenic.

Literature cited by the submitters: PubMed 16435307 (cited by Institute of Human Genetics, University of Goettingen).

NM_022336.4(EDAR):c.442T>C (p.Cys148Arg)

Genes: EDAR (ectodysplasin A receptor; minus strand), RANBP2 (RAN binding protein 2; plus strand). Cytogenetic location: 2q13.
Variant type: single nucleotide variant.
Coding change: c.442T>C on transcript NM_022336.4 (MANE Select); coding-DNA position 442, T replaced by C.
Protein change: p.Cys148Arg; replaces cysteine 148 with arginine.
Molecular consequence: missense variant.
Genome position (GRCh38, 1-based): chr2:108,923,368, A>G on the plus strand (T>C on the coding strand, the complement: EDAR is on the minus strand). VCF-style: chr2-108923368-A-G. GRCh37 (hg19) VCF-style: chr2-109539824-A-G.
Other names: short protein forms C148R.
Identifiers: ClinVar variation 998077 (VCV000998077.5), dbSNP rs1181378221, ClinGen allele CA348115263.
Genomic context (GRCh38, chr2:108,923,368, plus strand): 5'-GTAGTGAAAGGGATCCGTGCTGAACAAATACCGTGCTGGTGGAAGGACAAAGACACTCAC[A>G]TTCCTTGGTGTTGGGGGGTGCCAGGAGGCAGGAGTAGCAGACCATGCCATAGATGTTCCT-3'
Protein context (NP_071731.1, residues 138-158): CLLAPPNTKE[Cys148Arg]VGATSGASAN